The following is an entry in ClinVar:

NM_145698.5(ACBD5):c.1078G>A (p.Val360Ile)

Gene: ACBD5 (acyl-CoA binding domain containing 5; minus strand). Cytogenetic location: 10p12.1.
Variant type: single nucleotide variant.
Coding change: c.1078G>A on transcript NM_145698.5 (MANE Select); coding-DNA position 1078, G replaced by A.
Protein change: p.Val360Ile; replaces valine 360 with isoleucine.
Molecular consequence: missense variant.
Genome position (GRCh38, 1-based): chr10:27,210,940, C>T on the plus strand (G>A on the coding strand, the complement: ACBD5 is on the minus strand). VCF-style: chr10-27210940-C-T. GRCh37 (hg19) VCF-style: chr10-27499869-C-T.
Other names: c.973G>A, p.Val325Ile (NM_001042473.4, NM_001352577.2, NM_001352578.2 and 1 more transcripts); c.1072G>A, p.Val358Ile (NM_001271512.3); c.751G>A, p.Val251Ile (NM_001301251.2, NM_001301252.2, NM_001301253.2 and 2 more transcripts); c.547G>A, p.Val183Ile (NM_001301254.2); c.1132G>A, p.Val378Ile (NM_001352568.1); c.1111G>A, p.Val371Ile (NM_001352569.1); c.1078G>A, p.Val360Ile (NM_001352570.1); c.1105G>A, p.Val369Ile (NM_001352571.1); and 11 more; short protein forms V353I, V358I, V183I, V290I, V303I, V336I, V360I, V371I.
Identifiers: ClinVar variation 836548 (VCV000836548.8), dbSNP rs149080257, ClinGen allele CA5450755.
Genomic context (GRCh38, chr10:27,210,940, plus strand): 5'-CGCTGTTATTCCTGCCATCTTCTCCTCCATGCTTGACTTCACCTTTTCCTTCAACTGCAA[C>T]CACCTGCATATTCCCAATGTTGCCATTTCCAGGAGGTACTTGAATATCTTCACGAAATCC-3'
Protein context (NP_663736.2, residues 350-370): GNGNIGNMQV[Val360Ile]AVEGKGEVKH

ClinVar aggregate classification (germline): Uncertain significance. Review status: criteria provided, multiple submitters, no conflicts (2 of 4 stars). 2 submissions from 2 submitters: Uncertain significance (2). Last evaluated 2025-06-25.

Conditions:
Inborn genetic diseases. Identifiers: MedGen C0950123, MeSH D030342.

Allele frequency attached by ClinVar (database versions not stated): gnomAD 0.00010 and 0.00011; ESP Exome Variant Server 0.00023; gnomAD exomes 0.00004; ExAC 0.00005; TOPMed 0.00009.

Submissions (2):

Ambry Genetics
Classification: Uncertain significance for Inborn genetic diseases. Last evaluated: 2025-06-25. Review status: criteria provided, single submitter. Criteria: Ambry Variant Classification Scheme 2023. Collection method: clinical testing. Allele origin: germline.

Labcorp Genetics (formerly Invitae), Labcorp
Classification: Uncertain significance. Last evaluated: 2022-02-11. Review status: criteria provided, single submitter. Criteria: Invitae Variant Classification Sherloc (09022015). Collection method: clinical testing. Allele origin: germline.
Comment: This sequence change replaces valine, which is neutral and non-polar, with isoleucine, which is neutral and non-polar, at codon 360 of the ACBD5 protein (p.Val360Ile). This variant is present in population databases (rs149080257, gnomAD 0.04%). This variant has not been reported in the literature in individuals affected with ACBD5-related conditions. ClinVar contains an entry for this variant (Variation ID: 836548). Algorithms developed to predict the effect of missense changes on protein structure and function (SIFT, PolyPhen-2, Align-GVGD) all suggest that this variant is likely to be tolerated. Algorithms developed to predict the effect of sequence changes on RNA splicing suggest that this variant may create or strengthen a splice site. In summary, the available evidence is currently insufficient to determine the role of this variant in disease. Therefore, it has been classified as a Variant of Uncertain Significance.